The following is an entry in ClinVar:

ClinVar aggregate classification (germline): Uncertain significance (1 of 4 stars; one submission).

Conditions:
Marfan syndrome (MFS). Also called: MARFAN SYNDROME, TYPE I; Marfan syndrome type 1; Marfan's syndrome; Marfan syndrome, classic; FBN1-Related Marfan Syndrome. Identifiers: Orphanet 284963, Orphanet 558, MedGen C0024796, MONDO:0007947, OMIM 154700.
Familial thoracic aortic aneurysm and aortic dissection (TAAD). Also called: Thoracic aortic aneurysms and dissections. Identifiers: Orphanet 91387, MedGen C4707243, MONDO:0019625.

Allele frequency attached by ClinVar (database versions not stated): ExAC 0.00001; gnomAD exomes below 0.00001.
gnomAD v4.1: 1 of 1,614,094 alleles (0.000062%); highest among the groups gnomAD compares: South Asian, 0.0011%; no homozygotes.

Submission:

Labcorp Genetics (formerly Invitae), Labcorp
Classification: Uncertain significance for Marfan syndrome; Familial thoracic aortic aneurysm and aortic dissection. Last evaluated: 2023-11-02. Review status: criteria provided, single submitter. Criteria: Invitae Variant Classification Sherloc (09022015). Collection method: clinical testing. Allele origin: germline.
Comment: This sequence change replaces glycine, which is neutral and non-polar, with aspartic acid, which is acidic and polar, at codon 2580 of the FBN1 protein (p.Gly2580Asp). This variant is present in population databases (rs749912176, gnomAD 0.003%). This variant has not been reported in the literature in individuals affected with FBN1-related conditions. Advanced modeling of protein sequence and biophysical properties (such as structural, functional, and spatial information, amino acid conservation, physicochemical variation, residue mobility, and thermodynamic stability) performed at Invitae indicates that this missense variant is expected to disrupt FBN1 protein function with a positive predictive value of 95%. In summary, the available evidence is currently insufficient to determine the role of this variant in disease. Therefore, it has been classified as a Variant of Uncertain Significance.

NM_000138.5(FBN1):c.7739G>A (p.Gly2580Asp)

Gene: FBN1 (fibrillin 1; minus strand). Cytogenetic location: 15q21.1.
Variant type: single nucleotide variant.
Coding change: c.7739G>A on transcript NM_000138.5 (MANE Select); coding-DNA position 7739, G replaced by A.
Protein change: p.Gly2580Asp; replaces glycine 2580 with aspartic acid.
Molecular consequence: missense variant.
Genome position (GRCh38, 1-based): chr15:48,420,767, C>T on the plus strand (G>A on the coding strand, the complement: FBN1 is on the minus strand). VCF-style: chr15-48420767-C-T. GRCh37 (hg19) VCF-style: chr15-48712964-C-T.
Other names: c.7739G>A, p.Gly2580Asp (NM_001406716.1); short protein forms G2580D.
Identifiers: ClinVar variation 2951381 (VCV002951381.3), dbSNP rs749912176, ClinGen allele CA059152.